The following is an entry in ClinVar:

ClinVar aggregate classification (germline): Pathogenic/Likely pathogenic. Review status: criteria provided, multiple submitters, no conflicts (2 of 4 stars). 2 submissions from 2 submitters: Pathogenic (1); Likely pathogenic (1). Last evaluated 2025-07-31.

Conditions:
Werner syndrome (WRN). Identifiers: Orphanet 902, MedGen C0043119, MONDO:0010196, OMIM 277700.

Submissions (2):

Labcorp Genetics (formerly Invitae), Labcorp
Classification: Pathogenic for Werner syndrome. Last evaluated: 2025-07-31. Review status: criteria provided, single submitter. Criteria: Invitae Variant Classification Sherloc (09022015). Collection method: clinical testing. Allele origin: germline.
Comment: This sequence change creates a premature translational stop signal (p.Ser1128Lysfs*37) in the WRN gene. It is expected to result in an absent or disrupted protein product. Loss-of-function variants in WRN are known to be pathogenic (PMID: 16673358). This variant is present in population databases (no rsID available, gnomAD 0.004%). This variant has not been reported in the literature in individuals affected with WRN-related conditions. ClinVar contains an entry for this variant (Variation ID: 581978). For these reasons, this variant has been classified as Pathogenic.

Baylor Genetics
Classification: Likely pathogenic for Werner syndrome. Last evaluated: 2023-07-20. Review status: criteria provided, single submitter. Criteria: ACMG Guidelines, 2015. Collection method: clinical testing. Allele origin: unknown.

Literature cited by the submitters: PubMed 16673358 (cited by Labcorp Genetics (formerly Invitae), Labcorp).

NM_000553.6(WRN):c.3382dup (p.Ser1128fs)

Gene: WRN (WRN RecQ like helicase; plus strand). Cytogenetic location: 8p12.
Variant type: Duplication.
Coding change: c.3382dup on transcript NM_000553.6 (MANE Select); coding-DNA position 3382, one base duplicated (A; older notation c.3382dupA).
Protein change: p.Ser1128fs; shifts the reading frame from serine 1128.
Molecular consequence: frameshift variant.
Genome position (GRCh38, 1-based): chr8:31,143,622, A duplicated; the last of 7 consecutive A bases (chr8:31,143,616-31,143,622); duplicating any one gives the same sequence. VCF-style (leftmost placement, unchanged base first): chr8-31143615-T-TA. GRCh37 (hg19) VCF-style: chr8-31001131-T-TA.
Other names: c.3382dupA (NM_000553.4); short protein forms S1128fs.
Identifiers: ClinVar variation 581978 (VCV000581978.6), dbSNP rs778872619, ClinGen allele CA580990787.
Genomic context (GRCh38, chr8:31,143,615, plus strand): 5'-CTTGGAGAAGTTATATTCTTATAAACCATGTGATAAGATTTCTTCTGGGAGTAACATTTC[T>TA]AAAAAAAGGTACAGAGTTCCATATTTCTATGTTCTATACTTGCTTTATGAGTACTTTTTT-3'